The following is an entry in ClinVar:

NM_001122955.4(BSCL2):c.359A>G (p.Tyr120Cys)

Genes: BSCL2 (BSCL2 lipid droplet biogenesis associated, seipin; minus strand), HNRNPUL2-BSCL2 (HNRNPUL2-BSCL2 readthrough (NMD candidate); minus strand). Cytogenetic location: 11q12.3.
Variant type: single nucleotide variant.
Coding change: c.359A>G on transcript NM_001122955.4 (MANE Select); coding-DNA position 359, A replaced by G.
Protein change: p.Tyr120Cys; replaces tyrosine 120 with cysteine.
Molecular consequence: missense variant. On other transcripts: non-coding transcript variant (1).
Genome position (GRCh38, 1-based): chr11:62,705,346, T>C on the plus strand (A>G on the coding strand, the complement: BSCL2 is on the minus strand). VCF-style: chr11-62705346-T-C. GRCh37 (hg19) VCF-style: chr11-62472818-T-C.
Other names: c.359A>G (NM_001122955.3); c.167A>G, p.Tyr56Cys (NM_001130702.2, NM_032667.6); c.359A>G, p.Tyr120Cys (NM_001386027.1, NM_001386028.1); short protein forms Y56C, Y120C.
Identifiers: ClinVar variation 569480 (VCV000569480.18), dbSNP rs370905417, ClinGen allele CA6053617.

ClinVar aggregate classification (germline): Conflicting classifications of pathogenicity. Review status: criteria provided, conflicting classifications (1 of 4 stars). 6 submissions from 6 submitters: Uncertain significance (5); Likely benign (1). Last evaluated 2026-05-18.

Conditions:
Severe neurodegenerative syndrome with lipodystrophy. Also called: ENCEPHALOPATHY, PROGRESSIVE, WITH LIPODYSTROPHY; Encephalopathy, progressive, with or without lipodystrophy. Identifiers: Orphanet 363400, MedGen C4014700, MONDO:0014402, OMIM 615924.
Hereditary spastic paraplegia 17. Also called: SPASTIC PARAPLEGIA WITH AMYOTROPHY OF HANDS AND FEET; Silver spastic paraplegia syndrome; Spastic Paraplegia 17; Autosomal dominant spastic paraplegia type 17; Silver Syndrome. Identifiers: Orphanet 100998, MedGen C2931276, MONDO:0010043, OMIM 270685.
Congenital generalized lipodystrophy type 2 (CGL2). Also called: BERARDINELLI SYNDROME; BRUNZELL SYNDROME, BSCL2-RELATED; SEIP SYNDROME; Berardinelli-Seip Congenital Lipodystrophy Type 2. Identifiers: Orphanet 528, Orphanet 696289, MedGen C1720863, MONDO:0010020, OMIM 269700.
Neuronopathy, distal hereditary motor, type 5C. Also called: NEURONOPATHY, DISTAL HEREDITARY MOTOR, HARDING TYPE VC; NEUROPATHY, DISTAL HEREDITARY MOTOR, HARDING TYPE VC; SPINAL MUSCULAR ATROPHY, DISTAL, HARDING TYPE VC; NEURONOPATHY, DISTAL HEREDITARY MOTOR, AUTOSOMAL DOMINANT 13; DHMN VC. Identifiers: MedGen C5436838, MONDO:0030860, OMIM 619112.
BSCL2-related disorder. Also called: BSCL2-related condition; BSCL2-Related Disorders.
Inborn genetic diseases. Identifiers: MedGen C0950123, MeSH D030342.
Charcot-Marie-Tooth disease type 2. Also called: Charcot-Marie-Tooth type 2. Identifiers: Orphanet 64746, MedGen C0270914, MONDO:0018993.

Allele frequency attached by ClinVar (database versions not stated): ExAC 0.00011; gnomAD 0.00003 and 0.00004; TOPMed 0.00005; ESP Exome Variant Server 0.00008.
gnomAD v4.1: 60 of 1,613,686 alleles (0.0037%); highest among the groups gnomAD compares: Non-Finnish European, 0.0045%; no homozygotes.

Submissions (6):

PreventionGenetics, part of Exact Sciences
Classification: Uncertain significance for BSCL2-related condition. Last evaluated: 2026-05-18. Review status: criteria provided, single submitter. Criteria: ACMG Guidelines, 2015. Collection method: clinical testing. Allele origin: germline.
Comment: The BSCL2 c.359A>G variant is predicted to result in the amino acid substitution p.Tyr120Cys. To our knowledge, this variant has not been reported in the literature. This variant is reported in 0.017% of alleles in individuals of European (Non-Finnish) descent in gnomAD. At this time, the clinical significance of this variant is uncertain due to the absence of conclusive functional and genetic evidence.

GeneDx
Classification: Uncertain significance. Last evaluated: 2025-10-06. Review status: criteria provided, single submitter. Criteria: GeneDx Variant Classification Process June 2021. Collection method: clinical testing. Allele origin: germline. Affected: yes.
Comment: In silico analysis supports that this missense variant has a deleterious effect on protein structure/function; Has not been previously published as pathogenic or benign to our knowledge; This variant is associated with the following publications: (PMID: 32041611)

Women's Health and Genetics/Laboratory Corporation of America, LabCorp
Classification: Uncertain significance. Last evaluated: 2025-06-03. Review status: criteria provided, single submitter. Criteria: LabCorp Variant Classification Summary - May 2015. Collection method: clinical testing. Allele origin: germline.
Comment: Variant summary: BSCL2 c.167A>G (p.Tyr56Cys) results in a non-conservative amino acid change in the encoded protein sequence. Algorithms developed to predict the effect of missense changes on protein structure and function all suggest that this variant is likely to be disruptive. The variant allele was found at a frequency of 8.4e-05 in 250532 control chromosomes. This frequency is not significantly higher than estimated for a pathogenic variant in BSCL2 causing Congenital generalized lipodystrophy type 2 (8.4e-05 vs 0.0011), allowing no conclusion about variant significance. c.167A>G has been observed in unspecified individual(s) affected with Congenital generalized lipodystrophy type 2 in a panel study (Dron_2020). These report(s) do not provide unequivocal conclusions about association of the variant with Congenital generalized lipodystrophy type 2. To our knowledge, no experimental evidence demonstrating an impact on protein function has been reported. The following publication have been ascertained in the context of this evaluation (PMID: 32041611). ClinVar contains an entry for this variant (Variation ID: 569480). Based on the evidence outlined above, the variant was classified as uncertain significance.

Labcorp Genetics (formerly Invitae), Labcorp
Classification: Uncertain significance for Charcot-Marie-Tooth disease type 2. Last evaluated: 2025-04-17. Review status: criteria provided, single submitter. Criteria: Invitae Variant Classification Sherloc (09022015). Collection method: clinical testing. Allele origin: germline.
Comment: This sequence change replaces tyrosine, which is neutral and polar, with cysteine, which is neutral and slightly polar, at codon 56 of the BSCL2 protein (p.Tyr56Cys). This variant is present in population databases (rs370905417, gnomAD 0.02%). This variant has not been reported in the literature in individuals affected with BSCL2-related conditions. ClinVar contains an entry for this variant (Variation ID: 569480). Invitae Evidence Modeling of protein sequence and biophysical properties (such as structural, functional, and spatial information, amino acid conservation, physicochemical variation, residue mobility, and thermodynamic stability) indicates that this missense variant is expected to disrupt BSCL2 protein function with a positive predictive value of 80%. In summary, the available evidence is currently insufficient to determine the role of this variant in disease. Therefore, it has been classified as a Variant of Uncertain Significance.

Fulgent Genetics
Classification: Uncertain significance for Congenital generalized lipodystrophy type 2; Hereditary spastic paraplegia 17; Severe neurodegenerative syndrome with lipodystrophy; Neuronopathy, distal hereditary motor, type 5C. Last evaluated: 2024-05-24. Review status: criteria provided, single submitter. Criteria: ACMG Guidelines, 2015. Collection method: clinical testing. Allele origin: germline.

Ambry Genetics
Classification: Likely benign for Inborn genetic diseases. Last evaluated: 2022-06-10. Review status: criteria provided, single submitter. Criteria: Ambry Variant Classification Scheme 2023. Collection method: clinical testing. Allele origin: germline.

Literature cited by the submitters: PubMed 32041611 (cited by Women's Health and Genetics/Laboratory Corporation of America, LabCorp).